The following is an entry in ClinVar:

NM_020461.4(TUBGCP6):c.4333C>T (p.His1445Tyr)

Gene: TUBGCP6 (tubulin gamma complex component 6; minus strand). Cytogenetic location: 22q13.33.
Variant type: single nucleotide variant.
Coding change: c.4333C>T on transcript NM_020461.4 (MANE Select); coding-DNA position 4333, C replaced by T.
Protein change: p.His1445Tyr; replaces histidine 1445 with tyrosine.
Molecular consequence: missense variant.
Genome position (GRCh38, 1-based): chr22:50,219,439, G>A on the plus strand (C>T on the coding strand, the complement: TUBGCP6 is on the minus strand). VCF-style: chr22-50219439-G-A. GRCh37 (hg19) VCF-style: chr22-50657868-G-A.
Other names: short protein forms H1445Y.
Identifiers: ClinVar variation 1307485 (VCV001307485.6), dbSNP rs1258201672, ClinGen allele CA412172768.

ClinVar aggregate classification (germline): Uncertain significance. Review status: criteria provided, multiple submitters, no conflicts (2 of 4 stars). 2 submissions from 2 submitters: Uncertain significance (2). Last evaluated 2021-11-28.

Allele frequency attached by ClinVar (database versions not stated): gnomAD exomes below 0.00001 and 0.00001; gnomAD 0.00001; TOPMed 0.00001.
gnomAD v4.1: 5 of 1,574,144 alleles (0.00032%); highest among the groups gnomAD compares: African/African-American, 0.0014%; no homozygotes.

Submissions (2):

Labcorp Genetics (formerly Invitae), Labcorp
Classification: Uncertain significance. Last evaluated: 2021-11-28. Review status: criteria provided, single submitter. Criteria: Invitae Variant Classification Sherloc (09022015). Collection method: clinical testing. Allele origin: germline.
Comment: This variant is present in population databases (no rsID available, gnomAD 0.001%). This sequence change replaces histidine, which is basic and polar, with tyrosine, which is neutral and polar, at codon 1445 of the TUBGCP6 protein (p.His1445Tyr). This variant has not been reported in the literature in individuals affected with TUBGCP6-related conditions. ClinVar contains an entry for this variant (Variation ID: 1307485). Algorithms developed to predict the effect of missense changes on protein structure and function are either unavailable or do not agree on the potential impact of this missense change (SIFT: "Tolerated"; PolyPhen-2: "Probably Damaging"; Align-GVGD: "Class C0"). In summary, the available evidence is currently insufficient to determine the role of this variant in disease. Therefore, it has been classified as a Variant of Uncertain Significance.

GeneDx
Classification: Uncertain significance. Last evaluated: 2019-08-14. Review status: criteria provided, single submitter. Criteria: GeneDx Variant Classification Process June 2021. Collection method: clinical testing. Allele origin: germline. Affected: yes.
Comment: Not observed at a significant frequency in large population cohorts (Lek et al., 2016); In silico analysis, which includes protein predictors and evolutionary conservation, supports a deleterious effect; Has not been previously published as pathogenic or benign to our knowledge